The following is an entry in ClinVar:

NM_004260.4(RECQL4):c.165C>T (p.Ala55=)

Genes: RECQL4 (RecQ like helicase 4; minus strand), LOC130001411 (ATAC-STARR-seq lymphoblastoid silent region 19699; plus strand). Cytogenetic location: 8q24.3.
Variant type: single nucleotide variant.
Coding change: c.165C>T on transcript NM_004260.4 (MANE Select); coding-DNA position 165, C replaced by T.
Protein change: p.Ala55=; no amino-acid change (alanine 55 retained).
Molecular consequence: synonymous variant.
Genome position (GRCh38, 1-based): chr8:144,517,462, G>A on the plus strand (C>T on the coding strand, the complement: RECQL4 is on the minus strand). VCF-style: chr8-144517462-G-A. GRCh37 (hg19) VCF-style: chr8-145742846-G-A.
Other names: c.165C>T (NM_004260.3).
Identifiers: ClinVar variation 1111796 (VCV001111796.10), dbSNP rs548309647, ClinGen allele CA4949470.
Genomic context (GRCh38, chr8:144,517,462, plus strand): 5'-GGGCCTGGGTACCTCTTCGGCCGCCGCGGGGAGCGACTCGGAGCTGCGGAGCCCGCCGCC[G>A]GCCTGGCCCGTGGTACGCTTCAGAGTGCGGTATTCCCGGTAGAGCGCTGCGTGGGCGAGC-3'
Protein context (NP_004251.4, residues 45-65): YRTLKRTTGQ[Ala55=]GGGLRSSESL

ClinVar aggregate classification (germline): Likely benign. Review status: criteria provided, multiple submitters, no conflicts (2 of 4 stars). 3 submissions from 3 submitters: Likely benign (2). 1 of the submissions does not count toward it. Last evaluated 2025-08-07.

Conditions:
RECQL4-related disorder. Also called: RECQL4-related condition; RECQL4-related disorders.
Inborn genetic diseases. Identifiers: MedGen C0950123, MeSH D030342.
Baller-Gerold syndrome (BGS). Also called: CRANIOSYNOSTOSIS WITH RADIAL DEFECTS. Identifiers: Orphanet 1225, MedGen C0265308, MONDO:0009039, OMIM 218600.

Allele frequency attached by ClinVar (database versions not stated): TOPMed below 0.00001; gnomAD 0.00001; gnomAD exomes 0.00003 and 0.00008; ExAC 0.00015; 1000 Genomes Project 30x 0.00031; 1000 Genomes Project 0.00040.

Submissions (3):

Labcorp Genetics (formerly Invitae), Labcorp
Classification: Likely benign for Baller-Gerold syndrome. Last evaluated: 2025-08-07. Review status: criteria provided, single submitter. Criteria: Invitae Variant Classification Sherloc (09022015). Collection method: clinical testing. Allele origin: germline.

Ambry Genetics
Classification: Likely benign for Inborn genetic diseases. Last evaluated: 2024-12-10. Review status: criteria provided, single submitter. Criteria: Ambry Variant Classification Scheme 2023. Collection method: clinical testing. Allele origin: germline.

PreventionGenetics, part of Exact Sciences
Classification: Likely benign for RECQL4-related condition. Last evaluated: 2019-07-01. Review status: no assertion criteria provided. Collection method: clinical testing. Allele origin: germline. Not counted in ClinVar's aggregate classification.
Comment: This variant is classified as likely benign based on ACMG/AMP sequence variant interpretation guidelines (Richards et al. 2015 PMID: 25741868, with internal and published modifications).